The following is an entry in ClinVar:

NM_001127649.3(PEX26):c.*754A>G

Gene: PEX26 (peroxisomal biogenesis factor 26; plus strand). Cytogenetic location: 22q11.21.
Variant type: single nucleotide variant.
Coding change: c.*754A>G on transcript NM_001127649.3 (MANE Select); 754 bases downstream of the stop codon, A replaced by G.
Molecular consequence: 3 prime UTR variant.
Genome position (GRCh38, 1-based): chr22:18,088,829, A>G. VCF-style: chr22-18088829-A-G. GRCh37 (hg19) VCF-style: chr22-18571595-A-G.
Other names: c.*754A>G (NM_001199319.2, NM_017929.6).
Identifiers: ClinVar variation 340769 (VCV000340769.5), dbSNP rs114146293, ClinGen allele CA10653202.

ClinVar aggregate classification (germline): Benign (1 of 4 stars; one submission).

Conditions:
Peroxisome biogenesis disorder 7A (Zellweger). Also called: Peroxisome biogenesis disorder 7A. Identifiers: Orphanet 912, MedGen C3888385, MONDO:0013938, OMIM 614872.

Allele frequency attached by ClinVar (database versions not stated): gnomAD exomes 0.00181; gnomAD 0.03493 and 0.03730; TOPMed 0.03846; 1000 Genomes Project 0.04173; 1000 Genomes Project 30x 0.04201.

Submission:

Illumina Laboratory Services, Illumina
Classification: Benign for Peroxisome biogenesis disorder 7A (Zellweger). Last evaluated: 2018-01-13. Review status: criteria provided, single submitter. Criteria: ICSL Variant Classification Criteria 13 December 2019. Collection method: clinical testing. Allele origin: germline.
Comment: This variant was observed in the ICSL laboratory as part of a predisposition screen in an ostensibly healthy population. It had not been previously curated by ICSL or reported in the Human Gene Mutation Database (HGMD: prior to June 1st, 2018), and was therefore a candidate for classification through an automated scoring system. Utilizing variant allele frequency, disease prevalence and penetrance estimates, and inheritance mode, an automated score was calculated to assess if this variant is too frequent to cause the disease. Based on the score and internal cut-off values, a variant classified as benign is not then subjected to further curation. The score for this variant resulted in a classification of benign for this disease.